The following is an entry in ClinVar:

NM_001079910.2(LRRIQ1):c.2439A>C (p.Thr813=)

Gene: LRRIQ1 (leucine rich repeats and IQ motif containing 1; plus strand). Cytogenetic location: 12q21.31.
Variant type: single nucleotide variant.
Coding change: c.2439A>C on transcript NM_001079910.2 (MANE Select); coding-DNA position 2439, A replaced by C.
Protein change: p.Thr813=; no amino-acid change (threonine 813 retained).
Molecular consequence: synonymous variant.
Genome position (GRCh38, 1-based): chr12:85,065,309, A>C. VCF-style: chr12-85065309-A-C. GRCh37 (hg19) VCF-style: chr12-85459087-A-C.
Identifiers: ClinVar variation 2643202 (VCV002643202.24), dbSNP rs769803503, ClinGen allele CA481051261.

ClinVar aggregate classification (germline): Likely benign (1 of 4 stars; one submission).

Submission:

CeGaT Center for Human Genetics Tuebingen
Classification: Likely benign. Last evaluated: 2022-12-01. Review status: criteria provided, single submitter. Criteria: CeGaT Center For Human Genetics Tuebingen Variant Classification Criteria Version 2. Collection method: clinical testing. Allele origin: germline. Affected: yes. Observed: 1 variant allele.
Comment: LRRIQ1: PM2:Supporting, BP4, BP7